The following is an entry in ClinVar:

NM_001127208.3(TET2):c.2189C>T (p.Thr730Ile)

Genes: TET2 (tet methylcytosine dioxygenase 2; plus strand), TET2-AS1 (TET2 antisense RNA 1; minus strand). Cytogenetic location: 4q24.
Variant type: single nucleotide variant.
Coding change: c.2189C>T on transcript NM_001127208.3 (MANE Select); coding-DNA position 2189, C replaced by T.
Protein change: p.Thr730Ile; replaces threonine 730 with isoleucine.
Molecular consequence: missense variant.
Genome position (GRCh38, 1-based): chr4:105,236,131, C>T. VCF-style: chr4-105236131-C-T. GRCh37 (hg19) VCF-style: chr4-106157288-C-T.
Other names: c.2189C>T, p.Thr730Ile (NM_017628.4); short protein forms T730I.
Identifiers: ClinVar variation 4865531 (VCV004865531.1).

ClinVar aggregate classification (germline): Uncertain significance (1 of 4 stars; one submission).

Submission:

Ambry Genetics
Classification: Uncertain significance. Last evaluated: 2026-04-12. Review status: criteria provided, single submitter. Criteria: Ambry Variant Classification Scheme 2023. Collection method: clinical testing. Allele origin: germline.
Comment: The p.T730I variant (also known as c.2189C>T), located in coding exon 1 of the TET2 gene, results from a C to T substitution at nucleotide position 2189. The threonine at codon 730 is replaced by isoleucine, an amino acid with similar properties. This amino acid position is conserved. In addition, this alteration is predicted to be tolerated by in silico analysis. Based on the available evidence, the clinical significance of this variant remains unclear.